The following is an entry in ClinVar:

ClinVar aggregate classification (germline): Uncertain significance (1 of 4 stars; one submission).

Conditions:
Familial hemophagocytic lymphohistiocytosis 3 (FHL3). Also called: UNC13D-Related Familial Hemophagocytic Lymphohistiocytosis (UNC13D-fHLH). Identifiers: Orphanet 540, MedGen C1837174, MONDO:0012146, OMIM 608898.

Submission:

Labcorp Genetics (formerly Invitae), Labcorp
Classification: Uncertain significance for Familial hemophagocytic lymphohistiocytosis 3. Last evaluated: 2022-08-19. Review status: criteria provided, single submitter. Criteria: Invitae Variant Classification Sherloc (09022015). Collection method: clinical testing. Allele origin: germline.
Comment: This variant is not present in population databases (gnomAD no frequency). In summary, the available evidence is currently insufficient to determine the role of this variant in disease. Therefore, it has been classified as a Variant of Uncertain Significance. Algorithms developed to predict the effect of missense changes on protein structure and function are either unavailable or do not agree on the potential impact of this missense change (SIFT: "Not Available"; PolyPhen-2: "Benign"; Align-GVGD: "Not Available"). This variant has not been reported in the literature in individuals affected with UNC13D-related conditions. This sequence change replaces aspartic acid, which is acidic and polar, with asparagine, which is neutral and polar, at codon 31 of the UNC13D protein (p.Asp31Asn).

NM_199242.3(UNC13D):c.91G>A (p.Asp31Asn)

Gene: UNC13D (unc-13 homolog D; minus strand). Cytogenetic location: 17q25.1.
Variant type: single nucleotide variant.
Coding change: c.91G>A on transcript NM_199242.3 (MANE Select); coding-DNA position 91, G replaced by A.
Protein change: p.Asp31Asn; replaces aspartic acid 31 with asparagine.
Molecular consequence: missense variant.
Genome position (GRCh38, 1-based): chr17:75,844,247, C>T on the plus strand (G>A on the coding strand, the complement: UNC13D is on the minus strand). VCF-style: chr17-75844247-C-T. GRCh37 (hg19) VCF-style: chr17-73840328-C-T.
Other names: short protein forms D31N.
Identifiers: ClinVar variation 2183984 (VCV002183984.4), dbSNP rs2545989666, ClinGen allele CA401120134.